The following is an entry in ClinVar:

NM_020778.5(ALPK3):c.3084G>T (p.Gln1028His)

Gene: ALPK3 (alpha kinase 3; plus strand). Cytogenetic location: 15q25.3.
Variant type: single nucleotide variant.
Coding change: c.3084G>T on transcript NM_020778.5 (MANE Select); coding-DNA position 3084, G replaced by T.
Protein change: p.Gln1028His; replaces glutamine 1028 with histidine.
Molecular consequence: missense variant.
Genome position (GRCh38, 1-based): chr15:84,857,822, G>T. VCF-style: chr15-84857822-G-T. GRCh37 (hg19) VCF-style: chr15-85401053-G-T.
Other names: short protein forms Q1028H.
Identifiers: ClinVar variation 2179781 (VCV002179781.4), dbSNP rs1963885082, ClinGen allele CA393359572.

ClinVar aggregate classification (germline): Uncertain significance (1 of 4 stars; one submission).

Allele frequency attached by ClinVar (database versions not stated): gnomAD exomes below 0.00001.
gnomAD v4.1: 2 of 1,611,192 alleles (0.00012%); highest among the groups gnomAD compares: African/African-American, 0.0027%; no homozygotes.

Submission:

Labcorp Genetics (formerly Invitae), Labcorp
Classification: Uncertain significance. Last evaluated: 2025-07-14. Review status: criteria provided, single submitter. Criteria: Invitae Variant Classification Sherloc (09022015). Collection method: clinical testing. Allele origin: germline.
Comment: This sequence change replaces glutamine, which is neutral and polar, with histidine, which is basic and polar, at codon 1230 of the ALPK3 protein (p.Gln1230His). This variant is not present in population databases (gnomAD no frequency). This variant has not been reported in the literature in individuals affected with ALPK3-related conditions. ClinVar contains an entry for this variant (Variation ID: 2179781). Invitae Evidence Modeling of protein sequence and biophysical properties (such as structural, functional, and spatial information, amino acid conservation, physicochemical variation, residue mobility, and thermodynamic stability) indicates that this missense variant is expected to disrupt ALPK3 protein function with a positive predictive value of 80%. In summary, the available evidence is currently insufficient to determine the role of this variant in disease. Therefore, it has been classified as a Variant of Uncertain Significance.